The following is an entry in ClinVar:

NM_000138.5(FBN1):c.3830C>G (p.Thr1277Ser)

Gene: FBN1 (fibrillin 1; minus strand). Cytogenetic location: 15q21.1.
Variant type: single nucleotide variant.
Coding change: c.3830C>G on transcript NM_000138.5 (MANE Select); coding-DNA position 3830, C replaced by G.
Protein change: p.Thr1277Ser; replaces threonine 1277 with serine.
Molecular consequence: missense variant.
Genome position (GRCh38, 1-based): chr15:48,483,826, G>C on the plus strand (C>G on the coding strand, the complement: FBN1 is on the minus strand). VCF-style: chr15-48483826-G-C. GRCh37 (hg19) VCF-style: chr15-48776023-G-C.
Other names: short protein forms T1277S.
Identifiers: ClinVar variation 626883 (VCV000626883.4), dbSNP rs1372986456, ClinGen allele CA392323568.

ClinVar aggregate classification (germline): Conflicting classifications of pathogenicity. Review status: criteria provided, conflicting classifications (1 of 4 stars). 3 submissions from 3 submitters: Uncertain significance (2); Likely benign (1). Last evaluated 2026-02-17.

Conditions:
Familial thoracic aortic aneurysm and aortic dissection (TAAD). Also called: Thoracic aortic aneurysms and dissections. Identifiers: Orphanet 91387, MedGen C4707243, MONDO:0019625.
Marfan syndrome (MFS). Also called: FBN1-Related Marfan Syndrome; Marfan syndrome type 1; Marfan's syndrome; Marfan syndrome, classic; MARFAN SYNDROME, TYPE I. Identifiers: Orphanet 284963, Orphanet 558, MedGen C0024796, MONDO:0007947, OMIM 154700.

Allele frequency attached by ClinVar (database versions not stated): gnomAD 0.00001; TOPMed below 0.00001; gnomAD exomes below 0.00001.
gnomAD v4.1: 3 of 1,613,482 alleles (0.00019%); highest among the groups gnomAD compares: Non-Finnish European, 0.00025%; no homozygotes.

Submissions (3):

Ambry Genetics
Classification: Uncertain significance for Familial thoracic aortic aneurysm and aortic dissection. Last evaluated: 2026-02-17. Review status: criteria provided, single submitter. Criteria: Ambry Variant Classification Scheme 2023. Collection method: clinical testing. Allele origin: germline.
Comment: The c.3830C>G (p.T1277S) alteration is located in exon 31 (coding exon 30) of the FBN1 gene. This alteration results from a C to G substitution at nucleotide position 3830, causing the threonine (T) at amino acid position 1277 to be replaced by a serine (S). Based on data from gnomAD, the G allele has an overall frequency of <0.001% (1/251016) total alleles studied. The highest observed frequency was 0.001% (1/113644) of European (non-Finnish) alleles. Based on insufficient or conflicting evidence, the clinical significance of this alteration remains unclear.

Labcorp Genetics (formerly Invitae), Labcorp
Classification: Likely benign for Marfan syndrome; Familial thoracic aortic aneurysm and aortic dissection. Last evaluated: 2025-10-21. Review status: criteria provided, single submitter. Criteria: Invitae Variant Classification Sherloc (09022015). Collection method: clinical testing. Allele origin: germline.

CHEO Genetics Diagnostic Laboratory, Children's Hospital of Eastern Ontario
Classification: Uncertain significance for Familial thoracic aortic aneurysm and aortic dissection. Last evaluated: 2016-06-02. Review status: criteria provided, single submitter. Criteria: ACMG Guidelines, 2015. Collection method: clinical testing. Allele origin: germline. Study: Canadian Open Genetics Repository.